The following is an entry in ClinVar:

ClinVar aggregate classification (germline): Likely benign (1 of 4 stars; one submission).

gnomAD v4.1: 21 of 1,611,244 alleles (0.0013%); highest among the groups gnomAD compares: Non-Finnish European, 0.0017%; no homozygotes.

Submission:

CeGaT Center for Human Genetics Tuebingen
Classification: Likely benign. Last evaluated: 2025-09-01. Review status: criteria provided, single submitter. Criteria: CeGaT Center For Human Genetics Tuebingen Variant Classification Criteria Version 2. Collection method: clinical testing. Allele origin: germline. Affected: yes. Observed: 1 variant allele.
Comment: CT62: BP4, BP7

NM_001394532.1(THSD4):c.-80+15079A>G

Genes: CT62 (cancer/testis associated 62; minus strand), THSD4 (thrombospondin type 1 domain containing 4; plus strand). Cytogenetic location: 15q23.
Variant type: single nucleotide variant.
Coding change: c.-80+15079A>G on transcript NM_001394532.1; 15079 bases into the intron after 80 bases upstream of the start codon, A replaced by G.
Molecular consequence: intron variant.
Genome position (GRCh38, 1-based): chr15:71,112,085, A>G. VCF-style: chr15-71112085-A-G. GRCh37 (hg19) VCF-style: chr15-71404424-A-G.
Identifiers: ClinVar variation 4281122 (VCV004281122.7).
Genomic context (GRCh38, chr15:71,112,085, plus strand): 5'-CTGCATTGCCTTCCTGTAATCTGTTCACACGTTGCTCTTATTCCAGTTCCACATGCCCTG[A>G]ACTCCCAGAAGGTTGCTCTCAGCAGTGAGCCATTCATTCCTCAGAGATTTGGGAGCCCTC-3'